The following is an entry in ClinVar:

NM_020778.5(ALPK3):c.-30G>A

Gene: ALPK3 (alpha kinase 3; plus strand). Cytogenetic location: 15q25.3.
Variant type: single nucleotide variant.
Coding change: c.-30G>A on transcript NM_020778.5 (MANE Select); 30 bases upstream of the start codon, G replaced by A.
Molecular consequence: 5 prime UTR variant.
Genome position (GRCh38, 1-based): chr15:84,817,423, G>A. VCF-style: chr15-84817423-G-A. GRCh37 (hg19) VCF-style: chr15-85360654-G-A.
Identifiers: ClinVar variation 4986923 (VCV004986923.1).

ClinVar aggregate classification (germline): Uncertain significance (1 of 4 stars; one submission).

Conditions:
ALPK3-related disorder. Also called: ALPK3-related condition.

Submission:

PreventionGenetics, part of Exact Sciences
Classification: Uncertain significance for ALPK3-related condition. Last evaluated: 2025-10-02. Review status: criteria provided, single submitter. Criteria: ACMG Guidelines, 2015. Collection method: clinical testing. Allele origin: germline.
Comment: The ALPK3 c.577G>A variant is predicted to result in the amino acid substitution p.Ala193Thr. To our knowledge, this variant has not been reported in the literature or in a large population database (gnomAD), indicating this variant is rare. At this time, the clinical significance of this variant is uncertain due to the absence of conclusive functional and genetic evidence.